The following is an entry in ClinVar:

NM_000277.3(PAH):c.1243G>T (p.Asp415Tyr)

Gene: PAH (phenylalanine hydroxylase; minus strand). Cytogenetic location: 12q23.2.
Variant type: single nucleotide variant.
Coding change: c.1243G>T on transcript NM_000277.3 (MANE Select); coding-DNA position 1243, G replaced by T.
Protein change: p.Asp415Tyr; replaces aspartic acid 415 with tyrosine.
Molecular consequence: missense variant.
Genome position (GRCh38, 1-based): chr12:102,840,472, C>A on the plus strand (G>T on the coding strand, the complement: PAH is on the minus strand). VCF-style: chr12-102840472-C-A. GRCh37 (hg19) VCF-style: chr12-103234250-C-A.
Other names: NM_000277.1:c.1243G>T; c.1243G>T, p.Asp415Tyr (NM_001354304.2); short protein forms D415Y.
Identifiers: ClinVar variation 1327547 (VCV001327547.1), dbSNP rs62644499, ClinGen allele CA16020978.
Genomic context (GRCh38, chr12:102,840,472, plus strand): 5'-CAGCCAAAATCTTAAGCTGCTGGGTATTGTCCAAGACCTCAATCCTTTGGGTGTATGGGT[C>A]GTAGCGAACTGAGAAGGGCCGAGGTATTGTGGCAGCAAAGTTCCTAAGACCAAAACCACA-3'
Protein context (NP_000268.1, residues 405-425): TIPRPFSVRY[Asp415Tyr]PYTQRIEVLD

ClinVar aggregate classification (germline): Pathogenic (3 of 4 stars; one submission).

Conditions:
Phenylketonuria (PKU). Also called: Phenylketonuria (PKU); FOLLING DISEASE; OLIGOPHRENIA PHENYLPYRUVICA; Phenylketonurias. Identifiers: Orphanet 716, MedGen C0031485, MONDO:0009861, OMIM 261600. Disease mechanism: loss of function.

Submission:

ClinGen PAH Variant Curation Expert Panel
Classification: Pathogenic for Phenylketonuria. Last evaluated: 2021-10-10. Review status: reviewed by expert panel. Criteria: ClinGen PAH ACMG Specifications v1. Collection method: curation. Allele origin: germline. Inheritance: Autosomal recessive inheritance.
Comment: The c.1243G>T (p.Asp415Tyr) variant in PAH has been reported in multiple individuals with PAH deficiency (BH4 deficiency excluded, PMID: 21462123, 26503515). This variant is absent in population databases. This variant was detected in trans with pathogenic variants: p.Val399= (PMID: 28982351); and p.Ala345Thr (LP by PAH VCEP, PMID: 30050108). Computational evidence support a deleterious effect. Another missense change at the same amino acid (p.Asp415Asn) is interpreted as pathogenic by multiple submitters. In summary, this variant meets criteria to be classified as pathogenic for PAH. PAH-specific ACMG/AMP criteria applied: PP4_Moderate, PM2, PM3_Strong, PM5, PP3.

Literature cited by the submitters: PubMed 21462123; PubMed 26503515.